The following is an entry in ClinVar:

NM_001754.5(RUNX1):c.508+5G>A

Genes: RUNX1 (RUNX family transcription factor 1; minus strand), RUNX1-AS1 (RUNX1 antisense RNA 1; plus strand). Cytogenetic location: 21q22.12.
Variant type: single nucleotide variant.
Coding change: c.508+5G>A on transcript NM_001754.5 (MANE Select); 5 bases into the intron after coding-DNA position 508, G replaced by A.
Molecular consequence: intron variant.
Genome position (GRCh38, 1-based): chr21:34,880,552, C>T on the plus strand (G>A on the coding strand, the complement: RUNX1 is on the minus strand). VCF-style: chr21-34880552-C-T. GRCh37 (hg19) VCF-style: chr21-36252849-C-T.
Other names: c.427+5G>A (NM_001122607.2, NM_001001890.3).
Identifiers: ClinVar variation 837567 (VCV000837567.11), dbSNP rs749241143, ClinGen allele CA10014499.

ClinVar aggregate classification (germline): Uncertain significance. Review status: reviewed by expert panel (3 of 4 stars). 4 submissions from 4 submitters: Uncertain significance (1). 3 of the submissions do not count toward it. Last evaluated 2024-07-17.

Conditions:
Hereditary thrombocytopenia and hematologic cancer predisposition syndrome. Identifiers: Orphanet 71290, MedGen CN281654, MONDO:0011071.
Inborn genetic diseases. Identifiers: MedGen C0950123, MeSH D030342.
Hereditary thrombocytopenia and hematological cancer predisposition syndrome associated with RUNX1. Also called: PLATELET DISORDER, ASPIRIN-LIKE; Familial Platelet Disorder with Propensity to Acute Myelogenous Leukemia; Familial thrombocytopenia with propensity to acute myelogenous leukemia; RUNX1 Familial Platelet Disorder with Associated Myeloid Malignancies. Identifiers: Orphanet 71290, MedGen C1832388, MeSH C563324, MONDO:0100083, OMIM 601399.

Allele frequency attached by ClinVar (database versions not stated): ExAC 0.00001; gnomAD exomes 0.00001.
gnomAD v4.1: 8 of 1,613,914 alleles (0.0005%); highest among the groups gnomAD compares: East Asian, 0.0022%; no homozygotes.

Submissions (4):

ClinGen Myeloid Malignancy Variant Curation Expert Panel
Classification: Uncertain significance for Hereditary thrombocytopenia and hematologic cancer predisposition syndrome. Last evaluated: 2024-07-17. Review status: reviewed by expert panel. Criteria: ClinGen MyeloMalig ACMG Specifications v2. Collection method: curation. Allele origin: germline. Inheritance: Autosomal dominant inheritance.
Comment: NM_001754.5(RUNX1):c.508+5G>A is an intronic variant located within intron 5. This variant has a SpliceAI score of 0.44 (>0.38), suggesting a risk that this variant disrupts splicing (PP3). In summary, the clinical significance of this variant is uncertain. ACMG/AMP criteria have been applied as specified by the Myeloid Malignancy Variant Curation Expert Panel for RUNX1: PP3.

Ambry Genetics
Classification: Uncertain significance for Inborn genetic diseases. Last evaluated: 2025-10-27. Review status: criteria provided, single submitter. Criteria: Ambry Variant Classification Scheme 2023. Collection method: clinical testing. Allele origin: germline. Not counted in ClinVar's aggregate classification.
Comment: The c.508+5G>A intronic variant results from a G to A substitution 5 nucleotides after coding exon 4 in the RUNX1 gene. This nucleotide position is highly conserved in available vertebrate species. In silico splice site analysis predicts that this alteration may result in the creation or strengthening of a novel splice donor site. RNA studies have demonstrated that this alteration results in a splice defect; the clinical impact of this abnormal splicing is unknown at this time (Ambry internal data). Based on the available evidence, the clinical significance of this variant remains unclear.

GeneDx
Classification: Uncertain significance. Last evaluated: 2024-04-25. Review status: criteria provided, single submitter. Criteria: GeneDx Variant Classification Process June 2021. Collection method: clinical testing. Allele origin: germline. Affected: yes. Not counted in ClinVar's aggregate classification.
Comment: Not observed at significant frequency in large population cohorts (gnomAD); Has not been previously published as pathogenic or benign to our knowledge; In silico analysis suggests this variant may impact gene splicing. In the absence of RNA/functional studies, the actual effect of this sequence change is unknown.

Labcorp Genetics (formerly Invitae), Labcorp
Classification: Uncertain significance for Hereditary thrombocytopenia and hematological cancer predisposition syndrome associated with RUNX1. Last evaluated: 2023-04-28. Review status: criteria provided, single submitter. Criteria: Invitae Variant Classification Sherloc (09022015). Collection method: clinical testing. Allele origin: germline. Not counted in ClinVar's aggregate classification.
Comment: This variant has not been reported in the literature in individuals affected with RUNX1-related conditions. This variant is present in population databases (rs749241143, gnomAD 0.002%). This sequence change falls in intron 5 of the RUNX1 gene. It does not directly change the encoded amino acid sequence of the RUNX1 protein. It affects a nucleotide within the consensus splice site. ClinVar contains an entry for this variant (Variation ID: 837567). In summary, the available evidence is currently insufficient to determine the role of this variant in disease. Therefore, it has been classified as a Variant of Uncertain Significance. Variants that disrupt the consensus splice site are a relatively common cause of aberrant splicing (PMID: 17576681, 9536098). Algorithms developed to predict the effect of sequence changes on RNA splicing suggest that this variant may create or strengthen a splice site.

Literature cited by the submitters: PubMed 17576681 (cited by Labcorp Genetics (formerly Invitae), Labcorp); PubMed 9536098 (cited by Labcorp Genetics (formerly Invitae), Labcorp).